The following is an entry in ClinVar:

NM_000781.3(CYP11A1):c.431C>A (p.Ser144Ter)

Gene: CYP11A1 (cytochrome P450 family 11 subfamily A member 1; minus strand). Cytogenetic location: 15q24.1.
Variant type: single nucleotide variant.
Coding change: c.431C>A on transcript NM_000781.3 (MANE Select); coding-DNA position 431, C replaced by A.
Protein change: p.Ser144Ter; replaces serine 144 with a stop codon.
Molecular consequence: nonsense. On other transcripts: 5 prime UTR variant (1).
Genome position (GRCh38, 1-based): chr15:74,345,238, G>T on the plus strand (C>A on the coding strand, the complement: CYP11A1 is on the minus strand). VCF-style: chr15-74345238-G-T. GRCh37 (hg19) VCF-style: chr15-74637579-G-T.
Other names: c.-44C>A (NM_001099773.2); short protein forms S144*.
Identifiers: ClinVar variation 5015159 (VCV005015159.1).
Genomic context (GRCh38, chr15:74,345,238, plus strand): 5'-GTGGCCTCTGGAGCCATCACCTCCTGGTTCAGGGCCACCCGGTCTTTCTTCCAGGCTGCC[G>T]ACTTCCTGAGAAAACATGGGCCCACAAGCCCTCATGGTCACAGACCCCAGGCCTGGTGAA-3'

ClinVar aggregate classification (germline): Pathogenic (1 of 4 stars; one submission).

Conditions:
Congenital adrenal insufficiency with 46, XY sex reversal OR 46,XY disorder of sex development-adrenal insufficiency due to CYP11A1 deficiency. Also called: P450scc DEFICIENCY; Congenital adrenal insuffiency with 46, XY sex reversal OR 46,XY disorder of sex development-adrenal insufficiency due to CYP11A1 deficiency. Identifiers: Orphanet 168558, MedGen C3151055, MONDO:0013400, OMIM 613743.

gnomAD v4.1: 3 of 1,614,096 alleles (0.00019%); highest among the groups gnomAD compares: East Asian, 0.0045%; no homozygotes.

Submission:

Myriad Genetics, Inc.
Classification: Pathogenic for Congenital adrenal insufficiency with 46, XY sex reversal OR 46,XY disorder of sex development-adrenal insufficiency due to CYP11A1 deficiency. Last evaluated: 2025-10-30. Review status: criteria provided, single submitter. Criteria: Myriad Autosomal Dominant, Autosomal Recessive and X-Linked Classification Criteria (2023). Collection method: clinical testing. Allele origin: unknown.
Comment: NM_000781.2(CYP11A1):c.431C>A(S144*) is expected to be pathogenic in the context of congenital adrenal hyperplasia, CYP11A1-related. This variant is predicted to lead to an abnormal or absent protein product due to the creation of a premature termination codon in CYP11A1, a gene where loss-of-function variants are known to be pathogenic. Please note: this variant was assessed in the context of healthy population screening.